The following is an entry in ClinVar:

NM_020166.5(MCCC1):c.1768T>C (p.Tyr590His)

Gene: MCCC1 (methylcrotonyl-CoA carboxylase subunit 1; minus strand). Cytogenetic location: 3q27.1.
Variant type: single nucleotide variant.
Coding change: c.1768T>C on transcript NM_020166.5 (MANE Select); coding-DNA position 1768, T replaced by C.
Protein change: p.Tyr590His; replaces tyrosine 590 with histidine.
Molecular consequence: missense variant. On other transcripts: non-coding transcript variant (2).
Genome position (GRCh38, 1-based): chr3:183,022,518, A>G on the plus strand (T>C on the coding strand, the complement: MCCC1 is on the minus strand). VCF-style: chr3-183022518-A-G. GRCh37 (hg19) VCF-style: chr3-182740306-A-G.
Other names: c.1417T>C, p.Tyr473His (NM_001293273.2); c.1441T>C, p.Tyr481His (NM_001363880.1); c.1768T>C (NM_020166.3); short protein forms Y473H, Y481H, Y590H.
Identifiers: ClinVar variation 971735 (VCV000971735.9), dbSNP rs143892743, ClinGen allele CA2718656.

ClinVar aggregate classification (germline): Uncertain significance. Review status: criteria provided, multiple submitters, no conflicts (2 of 4 stars). 3 submissions from 3 submitters: Uncertain significance (2). 1 of the submissions does not count toward it. Last evaluated 2024-02-24.

Conditions:
Methylcrotonyl-CoA carboxylase deficiency. Also called: 3-MCC Deficiency; 3 Methylcrotonylglycinuria; Deficiency of methylcrotonoyl-CoA carboxylase. Identifiers: Orphanet 6, MedGen C4551505, MONDO:0018950.
3-methylcrotonyl-CoA carboxylase 1 deficiency (MCC1D). Also called: MCCD TYPE 1; METHYLCROTONYLGLYCINURIA TYPE I; MCC 1 deficiency; 3 Alpha methylcrotonylglycinuria 1. Identifiers: Orphanet 6, MedGen CN028786, MONDO:0008861, OMIM 210200.
Inborn genetic diseases. Identifiers: MedGen C0950123, MeSH D030342.

Allele frequency attached by ClinVar (database versions not stated): gnomAD 0.00004; gnomAD exomes 0.00005; TOPMed 0.00005; ExAC 0.00008; ESP Exome Variant Server 0.00008.
gnomAD v4.1: 93 of 1,613,766 alleles (0.0058%); highest among the groups gnomAD compares: South Asian, 0.0099%; no homozygotes.

Submissions (3):

Labcorp Genetics (formerly Invitae), Labcorp
Classification: Uncertain significance for 3-methylcrotonyl-CoA carboxylase 1 deficiency. Last evaluated: 2024-02-24. Review status: criteria provided, single submitter. Criteria: Invitae Variant Classification Sherloc (09022015). Collection method: clinical testing. Allele origin: germline.
Comment: This sequence change replaces tyrosine, which is neutral and polar, with histidine, which is basic and polar, at codon 590 of the MCCC1 protein (p.Tyr590His). This variant is present in population databases (rs143892743, gnomAD 0.009%). This variant has not been reported in the literature in individuals affected with MCCC1-related conditions. ClinVar contains an entry for this variant (Variation ID: 971735). Advanced modeling of protein sequence and biophysical properties (such as structural, functional, and spatial information, amino acid conservation, physicochemical variation, residue mobility, and thermodynamic stability) performed at Invitae indicates that this missense variant is not expected to disrupt MCCC1 protein function with a negative predictive value of 95%. In summary, the available evidence is currently insufficient to determine the role of this variant in disease. Therefore, it has been classified as a Variant of Uncertain Significance.

Ambry Genetics
Classification: Uncertain significance for Inborn genetic diseases. Last evaluated: 2023-11-06. Review status: criteria provided, single submitter. Criteria: Ambry Variant Classification Scheme 2023. Collection method: clinical testing. Allele origin: germline.

Natera, Inc.
Classification: Uncertain significance for 3-methylcrotonylglycinuria. Last evaluated: 2020-11-06. Review status: no assertion criteria provided. Collection method: clinical testing. Allele origin: germline. Not counted in ClinVar's aggregate classification.